The following is an entry in ClinVar:

NM_000350.3(ABCA4):c.5818C>A (p.Leu1940Ile)

Gene: ABCA4 (ATP binding cassette subfamily A member 4; minus strand). Cytogenetic location: 1p22.1.
Variant type: single nucleotide variant.
Coding change: c.5818C>A on transcript NM_000350.3 (MANE Select); coding-DNA position 5818, C replaced by A.
Protein change: p.Leu1940Ile; replaces leucine 1940 with isoleucine.
Molecular consequence: missense variant.
Genome position (GRCh38, 1-based): chr1:94,008,768, G>T on the plus strand (C>A on the coding strand, the complement: ABCA4 is on the minus strand). VCF-style: chr1-94008768-G-T. GRCh37 (hg19) VCF-style: chr1-94474324-G-T.
Other names: c.5596C>A, p.Leu1866Ile (NM_001425324.1); short protein forms L1940I, L1866I.
Identifiers: ClinVar variation 1480858 (VCV001480858.8), dbSNP rs1659466058, ClinGen allele CA341280147.
Genomic context (GRCh38, chr1:94,008,768, plus strand): 5'-GTGGATCTAACCAGCACCTCCAAACTCATACCCATTCCCTTACCTTGGTTAGTTCATGTA[G>T]CCTTAAGATGTCAGTTTTATTTCCACCAGTAATAATTCTTTGTCTTTCTTCAGCCACATC-3'
Protein context (NP_000341.2, residues 1930-1950): TGGNKTDILR[Leu1940Ile]HELTKIYPGT

ClinVar aggregate classification (germline): Uncertain significance (1 of 4 stars; one submission).

Allele frequency attached by ClinVar (database versions not stated): TOPMed below 0.00001; gnomAD 0.00001.
gnomAD v4.1: 1 of 1,613,820 alleles (0.000062%); highest among the groups gnomAD compares: African/African-American, 0.0013%; no homozygotes.

Submission:

Labcorp Genetics (formerly Invitae), Labcorp
Classification: Uncertain significance. Last evaluated: 2022-11-01. Review status: criteria provided, single submitter. Criteria: Invitae Variant Classification Sherloc (09022015). Collection method: clinical testing. Allele origin: germline.
Comment: In summary, the available evidence is currently insufficient to determine the role of this variant in disease. Therefore, it has been classified as a Variant of Uncertain Significance. This variant disrupts the p.Leu1920 amino acid residue in ABCA4. Other variant(s) that disrupt this residue have been determined to be pathogenic (PMID: 19074458, 29925512). This suggests that this residue is clinically significant, and that variants that disrupt this residue are likely to be disease-causing. Advanced modeling of protein sequence and biophysical properties (such as structural, functional, and spatial information, amino acid conservation, physicochemical variation, residue mobility, and thermodynamic stability) performed at Invitae indicates that this missense variant is not expected to disrupt ABCA4 protein function. ClinVar contains an entry for this variant (Variation ID: 1480858). This variant has not been reported in the literature in individuals affected with ABCA4-related conditions. This variant is not present in population databases (gnomAD no frequency). This sequence change replaces leucine, which is neutral and non-polar, with isoleucine, which is neutral and non-polar, at codon 1940 of the ABCA4 protein (p.Leu1940Ile).

Literature cited by the submitters: PubMed 19074458; PubMed 29925512.